The following is an entry in ClinVar:

ClinVar aggregate classification (germline): Likely pathogenic (1 of 4 stars; one submission).

Conditions:
Nemaline myopathy 2 (NEM2). Also called: Nemaline myopathy 2, autosomal recessive. Identifiers: MedGen C1850569, MONDO:0009725, OMIM 256030.

Submission:

Myriad Genetics, Inc.
Classification: Likely pathogenic for Nemaline myopathy 2. Last evaluated: 2022-03-04. Review status: criteria provided, single submitter. Criteria: Myriad Women's Health Autosomal Recessive and X-Linked Classification Criteria (2021). Collection method: clinical testing. Allele origin: unknown.
Comment: NM_001271208.1(NEB):c.19442C>A(S6481*) is expected to be pathogenic in the context of NEB-related nemaline myopathy. This variant is predicted to lead to an abnormal or absent protein product due to the creation of a premature termination codon in NEB, a gene where loss-of-function variants are known to be pathogenic. Please note: this variant was assessed in the context of healthy population screening.

NM_001164508.2(NEB):c.19442C>A (p.Ser6481Ter)

Genes: NEB (nebulin; minus strand), LOC126806373 (BRD4-independent group 4 enhancer GRCh37_chr2:152410007-152411206; plus strand). Cytogenetic location: 2q23.3.
Variant type: single nucleotide variant.
Coding change: c.19442C>A on transcript NM_001164508.2 (MANE Select); coding-DNA position 19442, C replaced by A.
Protein change: p.Ser6481Ter; replaces serine 6481 with a stop codon.
Molecular consequence: nonsense.
Genome position (GRCh38, 1-based): chr2:151,554,012, G>T on the plus strand (C>A on the coding strand, the complement: NEB is on the minus strand). VCF-style: chr2-151554012-G-T. GRCh37 (hg19) VCF-style: chr2-152410526-G-T.
Other names: c.19442C>A, p.Ser6481Ter (NM_001164507.2, NM_001271208.2); c.14339C>A, p.Ser4780Ter (NM_004543.5); short protein forms S4780*, S6481*.
Identifiers: ClinVar variation 1724983 (VCV001724983.2), dbSNP rs2552185400, ClinGen allele CA348791862.
Genomic context (GRCh38, chr2:151,554,012, plus strand): 5'-GTAACCATCTCTACCATGTCGGGCACGATGTGGATTTTCATCTTGTTCTTTTCATAAACT[G>T]ATCTGTACAGGCGCTGTAAAGTTAAAATCACATGCCAGTTATACAGGAAATTGTGCCAAG-3'